The following is an entry in ClinVar:

NM_000136.3(FANCC):c.343C>T (p.Gln115Ter)

Gene: FANCC (FA complementation group C; minus strand). Cytogenetic location: 9q22.32.
Variant type: single nucleotide variant.
Coding change: c.343C>T on transcript NM_000136.3 (MANE Select); coding-DNA position 343, C replaced by T.
Protein change: p.Gln115Ter; replaces glutamine 115 with a stop codon.
Molecular consequence: nonsense.
Genome position (GRCh38, 1-based): chr9:95,240,651, G>A on the plus strand (C>T on the coding strand, the complement: FANCC is on the minus strand). VCF-style: chr9-95240651-G-A. GRCh37 (hg19) VCF-style: chr9-98002933-G-A.
Other names: c.343C>T, p.Gln115Ter (NM_001243743.2, NM_001243744.2); short protein forms Q115*.
Identifiers: ClinVar variation 2864885 (VCV002864885.3), dbSNP rs748118992, ClinGen allele CA5137777.

ClinVar aggregate classification (germline): Pathogenic (1 of 4 stars; one submission).

Conditions:
Fanconi anemia (FA). Also called: Fanconi's anemia. Identifiers: Orphanet 84, MedGen C0015625, MeSH D005199, MONDO:0019391.

Allele frequency attached by ClinVar (database versions not stated): gnomAD exomes below 0.00001; TOPMed below 0.00001; ExAC 0.00001; gnomAD 0.00001.
gnomAD v4.1: 5 of 1,597,680 alleles (0.00031%); highest among the groups gnomAD compares: Non-Finnish European, 0.00017%; no homozygotes.

Submission:

Labcorp Genetics (formerly Invitae), Labcorp
Classification: Pathogenic for Fanconi anemia. Last evaluated: 2023-05-16. Review status: criteria provided, single submitter. Criteria: Invitae Variant Classification Sherloc (09022015). Collection method: clinical testing. Allele origin: germline.
Comment: For these reasons, this variant has been classified as Pathogenic. This variant has not been reported in the literature in individuals affected with FANCC-related conditions. This variant is present in population databases (rs748118992, gnomAD 0.004%). This sequence change creates a premature translational stop signal (p.Gln115*) in the FANCC gene. It is expected to result in an absent or disrupted protein product. Loss-of-function variants in FANCC are known to be pathogenic (PMID: 17924555).

Literature cited by the submitters: PubMed 17924555.